The following is an entry in ClinVar:

ClinVar aggregate classification (germline): Pathogenic (1 of 4 stars; one submission).

Conditions:
Early-infantile DEE. Also called: Early infantile epileptic encephalopathy; Early infantile epileptic encephalopathy with suppression bursts; Ohtahara syndrome. Identifiers: Orphanet 1934, MedGen C0393706, MONDO:0800491.

Submission:

Labcorp Genetics (formerly Invitae), Labcorp
Classification: Pathogenic for Early-infantile DEE. Last evaluated: 2023-07-17. Review status: criteria provided, single submitter. Criteria: Invitae Variant Classification Sherloc (09022015). Collection method: clinical testing. Allele origin: germline.
Comment: For these reasons, this variant has been classified as Pathogenic. Algorithms developed to predict the effect of sequence changes on RNA splicing suggest that this variant may disrupt the consensus splice site. Advanced modeling of protein sequence and biophysical properties (such as structural, functional, and spatial information, amino acid conservation, physicochemical variation, residue mobility, and thermodynamic stability) performed at Invitae indicates that this missense variant is expected to disrupt SCN1A protein function. This missense change has been observed in individual(s) with early-onset epilepsy (Invitae). In at least one individual the variant was observed to be de novo. This variant is not present in population databases (gnomAD no frequency). This sequence change replaces glycine, which is neutral and non-polar, with cysteine, which is neutral and slightly polar, at codon 361 of the SCN1A protein (p.Gly361Cys).

NM_001165963.4(SCN1A):c.1081G>T (p.Gly361Cys)

Gene: SCN1A (sodium voltage-gated channel alpha subunit 1; minus strand). Cytogenetic location: 2q24.3.
Variant type: single nucleotide variant.
Coding change: c.1081G>T on transcript NM_001165963.4 (MANE Select); coding-DNA position 1081, G replaced by T.
Protein change: p.Gly361Cys; replaces glycine 361 with cysteine.
Molecular consequence: missense variant. On other transcripts: 5 prime UTR variant (1), non-coding transcript variant (1).
Genome position (GRCh38, 1-based): chr2:166,047,716, C>A on the plus strand (G>T on the coding strand, the complement: SCN1A is on the minus strand). VCF-style: chr2-166047716-C-A. GRCh37 (hg19) VCF-style: chr2-166904226-C-A.
Other names: c.1081G>T, p.Gly361Cys (NM_001165964.3, NM_001202435.3, NM_001353948.2 and 10 more transcripts); c.-1345G>T (NM_001353961.2); short protein forms G361C.
Identifiers: ClinVar variation 2829623 (VCV002829623.3), dbSNP rs2468189894, ClinGen allele CA349071300.
Genomic context (GRCh38, chr2:166,047,716, plus strand): 5'-GAGTCATTAGTCGAAACAAGGACAAAAAAGCCCAACTGAAGGTATCAAAGCTTGTGTAGC[C>A]ATAATTGGGATTTCTACCAGCTTTCACACACATATATCCCTCTGGACATTGGCTGCAAGT-3'
Protein context (NP_001159435.1, residues 351-371): CVKAGRNPNY[Gly361Cys]YTSFDTFSWA